The following is an entry in ClinVar:

ClinVar aggregate classification (germline): Uncertain significance (1 of 4 stars; one submission).

Allele frequency attached by ClinVar (database versions not stated): gnomAD exomes below 0.00001.
gnomAD v4.1: 10 of 1,613,574 alleles (0.00062%); highest among the groups gnomAD compares: Non-Finnish European, 0.00051%; no homozygotes.

Submission:

CeGaT Center for Human Genetics Tuebingen
Classification: Uncertain significance. Last evaluated: 2024-02-01. Review status: criteria provided, single submitter. Criteria: CeGaT Center For Human Genetics Tuebingen Variant Classification Criteria Version 2. Collection method: clinical testing. Allele origin: germline. Affected: yes. Observed: 1 variant allele.
Comment: MARS1: PM2, PP3

NM_004990.4(MARS1):c.887+1G>A

Gene: MARS1 (methionyl-tRNA synthetase 1; plus strand). Cytogenetic location: 12q13.3.
Variant type: single nucleotide variant.
Coding change: c.887+1G>A on transcript NM_004990.4 (MANE Select); the canonical splice donor site of the intron after coding-DNA position 887, G replaced by A.
Molecular consequence: splice donor variant.
Genome position (GRCh38, 1-based): chr12:57,498,274, G>A. VCF-style: chr12-57498274-G-A. GRCh37 (hg19) VCF-style: chr12-57892057-G-A.
Identifiers: ClinVar variation 3026250 (VCV003026250.22), dbSNP rs752732775, ClinGen allele CA6650325.
Genomic context (GRCh38, chr12:57,498,274, plus strand): 5'-CAATGTCCCCCACCTTGGGAACATCATTGGTTGTGTGCTCAGTGCCGATGTCTTTGCCAG[G>A]TGGAGCCAGCTGCTCGGGGAGAGACCTCCTAAGGGAAGGGCGGGTCCCAGGGGAATAGGA-3'